The following is an entry in ClinVar:

NM_000426.4(LAMA2):c.3602C>T (p.Ala1201Val)

Gene: LAMA2 (laminin subunit alpha 2; plus strand). Cytogenetic location: 6q22.33.
Variant type: single nucleotide variant.
Coding change: c.3602C>T on transcript NM_000426.4 (MANE Select); coding-DNA position 3602, C replaced by T.
Protein change: p.Ala1201Val; replaces alanine 1201 with valine.
Molecular consequence: missense variant.
Genome position (GRCh38, 1-based): chr6:129,315,522, C>T. VCF-style: chr6-129315522-C-T. GRCh37 (hg19) VCF-style: chr6-129636667-C-T.
Other names: c.3602C>T, p.Ala1201Val (NM_001079823.2); short protein forms A1201V.
Identifiers: ClinVar variation 1348842 (VCV001348842.3), dbSNP rs1774530953, ClinGen allele CA365612729.

ClinVar aggregate classification (germline): Uncertain significance (1 of 4 stars; one submission).

Conditions:
LAMA2-related muscular dystrophy (LAMA2-RD). Also called: Laminin alpha 2-related dystrophy. Identifiers: MedGen C5679788, MONDO:0100228.

Allele frequency attached by ClinVar (database versions not stated): TOPMed below 0.00001.

Submission:

Labcorp Genetics (formerly Invitae), Labcorp
Classification: Uncertain significance for LAMA2-related muscular dystrophy. Last evaluated: 2022-10-05. Review status: criteria provided, single submitter. Criteria: Invitae Variant Classification Sherloc (09022015). Collection method: clinical testing. Allele origin: germline.
Comment: This sequence change replaces alanine, which is neutral and non-polar, with valine, which is neutral and non-polar, at codon 1201 of the LAMA2 protein (p.Ala1201Val). This variant is not present in population databases (gnomAD no frequency). This variant has not been reported in the literature in individuals affected with LAMA2-related conditions. ClinVar contains an entry for this variant (Variation ID: 1348842). Advanced modeling of protein sequence and biophysical properties (such as structural, functional, and spatial information, amino acid conservation, physicochemical variation, residue mobility, and thermodynamic stability) performed at Invitae indicates that this missense variant is not expected to disrupt LAMA2 protein function. In summary, the available evidence is currently insufficient to determine the role of this variant in disease. Therefore, it has been classified as a Variant of Uncertain Significance.